The following is an entry in ClinVar:

NM_002241.5(KCNJ10):c.52C>T (p.Arg18Trp)

Gene: KCNJ10 (potassium inwardly rectifying channel subfamily J member 10; minus strand). Cytogenetic location: 1q23.2.
Variant type: single nucleotide variant.
Coding change: c.52C>T on transcript NM_002241.5 (MANE Select); coding-DNA position 52, C replaced by T.
Protein change: p.Arg18Trp; replaces arginine 18 with tryptophan.
Molecular consequence: missense variant.
Genome position (GRCh38, 1-based): chr1:160,042,481, G>A on the plus strand (C>T on the coding strand, the complement: KCNJ10 is on the minus strand). VCF-style: chr1-160042481-G-A. GRCh37 (hg19) VCF-style: chr1-160012271-G-A.
Other names: p.R18W:CGG>TGG; short protein forms R18W.
Identifiers: ClinVar variation 205817 (VCV000205817.50), dbSNP rs138457635, ClinGen allele CA315261.

ClinVar aggregate classification (germline): Conflicting classifications of pathogenicity. Review status: criteria provided, conflicting classifications (1 of 4 stars). 8 submissions from 7 submitters: Uncertain significance (6); Likely benign (2). Last evaluated 2026-01-27.

Conditions:
Autosomal recessive nonsyndromic hearing loss 4 (DFNB4). Also called: Enlarged vestibular aqueduct, digenic; DEAFNESS, AUTOSOMAL RECESSIVE 4, WITH ENLARGED VESTIBULAR AQUEDUCT, DIGENIC; Nonsyndromic enlarged vestibular aqueduct (NSEVA); Deafness, autosomal recessive 4, with enlarged vestibular aqueduct; Deafness, autosomal recessive 4; FOXI1-Related Pendred Syndrome. Identifiers: Orphanet 90636, MedGen C3538946, MONDO:0010933, OMIM 600791.
EAST syndrome (SESAMES). Also called: SEIZURES, SENSORINEURAL DEAFNESS, ATAXIA, IMPAIRED INTELLECTUAL DEVELOPMENT, AND ELECTROLYTE IMBALANCE. Identifiers: Orphanet 199343, MedGen C2748572, MONDO:0013005, OMIM 612780.
Inborn genetic diseases. Identifiers: MedGen C0950123, MeSH D030342.

Allele frequency attached by ClinVar (database versions not stated): ExAC 0.00024; gnomAD exomes 0.00033; gnomAD 0.00041 and 0.00042; TOPMed 0.00045; ESP Exome Variant Server 0.00062.
gnomAD v4.1: 1,214 of 1,614,036 alleles (0.075%); highest among the groups gnomAD compares: Non-Finnish European, 0.095%; no homozygotes.

Submissions (8):

Labcorp Genetics (formerly Invitae), Labcorp
Classification: Likely benign for EAST syndrome. Last evaluated: 2026-01-27. Review status: criteria provided, single submitter. Criteria: Invitae Variant Classification Sherloc (09022015). Collection method: clinical testing. Allele origin: germline.

GeneDx
Classification: Uncertain significance. Last evaluated: 2025-08-12. Review status: criteria provided, single submitter. Criteria: GeneDx Variant Classification Process June 2021. Collection method: clinical testing. Allele origin: germline. Affected: yes.
Comment: Reported in a patient with neurological and concussion-related symptoms after head injury in published literature (PMID: 32233732); In silico analysis suggests that this missense variant does not alter protein structure/function; This variant is associated with the following publications: (PMID: 24378235, 32233732)

Ambry Genetics
Classification: Likely benign for Inborn genetic diseases. Last evaluated: 2024-04-23. Review status: criteria provided, single submitter. Criteria: Ambry Variant Classification Scheme 2023. Collection method: clinical testing. Allele origin: germline.

Fulgent Genetics
Classification: Uncertain significance for Autosomal recessive nonsyndromic hearing loss 4; EAST syndrome. Last evaluated: 2024-02-22. Review status: criteria provided, single submitter. Criteria: ACMG Guidelines, 2015. Collection method: clinical testing. Allele origin: germline.

CeGaT Center for Human Genetics Tuebingen
Classification: Uncertain significance. Last evaluated: 2023-04-01. Review status: criteria provided, single submitter. Criteria: CeGaT Center For Human Genetics Tuebingen Variant Classification Criteria Version 2. Collection method: clinical testing. Allele origin: germline. Affected: yes. Observed: 1 variant allele.
Comment: KCNJ10: PM2

Athena Diagnostics
Classification: Uncertain significance. Last evaluated: 2020-08-10. Review status: criteria provided, single submitter. Criteria: Athena Diagnostics Criteria. Collection method: clinical testing. Allele origin: unknown.

Illumina Laboratory Services, Illumina
Classification: Uncertain significance for EAST syndrome. Last evaluated: 2017-07-31. Review status: criteria provided, single submitter. Criteria: ICSL Variant Classification Criteria 13 December 2019. Collection method: clinical testing. Allele origin: germline.
Comment: This variant was observed as part of a predisposition screen in an ostensibly healthy population. A literature search was performed for the gene, cDNA change, and amino acid change (where applicable). Publications were found based on this search. However, the evidence from the literature, in combination with allele frequency data from public databases where available, was not sufficient to rule this variant in or out of causing disease. Therefore, this variant is classified as a variant of unknown significance.

Illumina Laboratory Services, Illumina
Classification: Uncertain significance for Autosomal recessive nonsyndromic hearing loss 4. Last evaluated: 2017-04-27. Review status: criteria provided, single submitter. Criteria: ICSL Variant Classification Criteria 13 December 2019. Collection method: clinical testing. Allele origin: germline.

Literature cited by the submitters: PubMed 24378235 (cited by Athena Diagnostics and Illumina Laboratory Services, Illumina); PubMed 32233732 (cited by Athena Diagnostics).